The following is an entry in ClinVar:

ClinVar aggregate classification (germline): Uncertain significance. Review status: criteria provided, multiple submitters, no conflicts (2 of 4 stars). 3 submissions from 3 submitters: Uncertain significance (3). Last evaluated 2024-01-05.

Conditions:
Hereditary cancer-predisposing syndrome. Also called: Neoplastic Syndromes, Hereditary; Hereditary Cancer Syndrome; Tumor predisposition; Hereditary neoplastic syndrome. Identifiers: Orphanet 140162, MedGen C0027672, MeSH D009386, MONDO:0015356.
Oligodontia-cancer predisposition syndrome. Also called: TOOTH AGENESIS-COLORECTAL CANCER SYNDROME. Identifiers: Orphanet 300576, MedGen C1837750, MONDO:0012075, OMIM 608615. Disease mechanism: loss of function.
Colorectal cancer. Also called: Malignant Colorectal Neoplasm; Colorectal cancer, somatic. Identifiers: MedGen C0346629, MONDO:0005575, OMIM 114500.

Submissions (3):

Baylor Genetics
Classification: Uncertain significance for Colorectal cancer. Last evaluated: 2024-01-05. Review status: criteria provided, single submitter. Criteria: ACMG Guidelines, 2015. Collection method: clinical testing. Allele origin: unknown.

Labcorp Genetics (formerly Invitae), Labcorp
Classification: Uncertain significance for Oligodontia-cancer predisposition syndrome. Last evaluated: 2022-07-19. Review status: criteria provided, single submitter. Criteria: Invitae Variant Classification Sherloc (09022015). Collection method: clinical testing. Allele origin: germline.
Comment: This sequence change replaces glycine, which is neutral and non-polar, with glutamic acid, which is acidic and polar, at codon 214 of the AXIN2 protein (p.Gly214Glu). This variant is not present in population databases (gnomAD no frequency). This variant has not been reported in the literature in individuals affected with AXIN2-related conditions. ClinVar contains an entry for this variant (Variation ID: 582469). Algorithms developed to predict the effect of missense changes on protein structure and function are either unavailable or do not agree on the potential impact of this missense change (SIFT: "Tolerated"; PolyPhen-2: "Possibly Damaging"; Align-GVGD: "Class C0"). In summary, the available evidence is currently insufficient to determine the role of this variant in disease. Therefore, it has been classified as a Variant of Uncertain Significance.

Ambry Genetics
Classification: Uncertain significance for Hereditary cancer-predisposing syndrome. Last evaluated: 2021-12-10. Review status: criteria provided, single submitter. Criteria: Ambry General Variant Classification Scheme_2022. Collection method: clinical testing. Allele origin: germline. Observed: 1 variant allele.
Comment: The p.G214E variant (also known as c.641G>A), located in coding exon 1 of the AXIN2 gene, results from a G to A substitution at nucleotide position 641. The glycine at codon 214 is replaced by glutamic acid, an amino acid with similar properties. This amino acid position is highly conserved in available vertebrate species. In addition, this alteration is predicted to be tolerated by in silico analysis. Since supporting evidence is limited at this time, the clinical significance of this alteration remains unclear.

NM_004655.4(AXIN2):c.641G>A (p.Gly214Glu)

Gene: AXIN2 (axin 2; minus strand). Cytogenetic location: 17q24.1.
Variant type: single nucleotide variant.
Coding change: c.641G>A on transcript NM_004655.4 (MANE Select); coding-DNA position 641, G replaced by A.
Protein change: p.Gly214Glu; replaces glycine 214 with glutamic acid.
Molecular consequence: missense variant.
Genome position (GRCh38, 1-based): chr17:65,557,980, C>T on the plus strand (G>A on the coding strand, the complement: AXIN2 is on the minus strand). VCF-style: chr17-65557980-C-T. GRCh37 (hg19) VCF-style: chr17-63554098-C-T.
Other names: c.641G>A (LRG_296t1); c.641G>A, p.Gly214Glu (NM_001363813.1); short protein forms G214E.
Identifiers: ClinVar variation 582469 (VCV000582469.11), dbSNP rs1419378216, ClinGen allele CA400680587.